The following is an entry in ClinVar:

NM_015898.4(ZBTB7A):c.402C>T (p.Ala134=)

Gene: ZBTB7A (zinc finger and BTB domain containing 7A; minus strand). Cytogenetic location: 19p13.3.
Variant type: single nucleotide variant.
Coding change: c.402C>T on transcript NM_015898.4 (MANE Select); coding-DNA position 402, C replaced by T.
Protein change: p.Ala134=; no amino-acid change (alanine 134 retained).
Molecular consequence: synonymous variant.
Genome position (GRCh38, 1-based): chr19:4,054,831, G>A on the plus strand (C>T on the coding strand, the complement: ZBTB7A is on the minus strand). VCF-style: chr19-4054831-G-A. GRCh37 (hg19) VCF-style: chr19-4054829-G-A.
Other names: c.402C>T, p.Ala134= (NM_001317990.2).
Identifiers: ClinVar variation 4085167 (VCV004085167.8).
Genomic context (GRCh38, chr19:4,054,831, plus strand): 5'-GAGGTTGCGCTGATCAATTTGATCTACAAGGTCCAGCTGCCCGGCGTCGGCGCCCGCGTC[G>A]GCCGCCAGGATCTGCCGGTCCAGGAGGTCGGCGCACACGTGGCTCACGGCGGGGATCTCC-3'
Protein context (NP_056982.1, residues 124-144): ADLLDRQILA[Ala134=]DAGADAGQLD

ClinVar aggregate classification (germline): Likely benign (1 of 4 stars; one submission).

gnomAD v4.1: 5 of 1,603,292 alleles (0.00031%); highest among the groups gnomAD compares: Admixed American, 0.0017%; no homozygotes.

Submission:

CeGaT Center for Human Genetics Tuebingen
Classification: Likely benign. Last evaluated: 2025-07-01. Review status: criteria provided, single submitter. Criteria: CeGaT Center For Human Genetics Tuebingen Variant Classification Criteria Version 2. Collection method: clinical testing. Allele origin: germline. Affected: yes. Observed: 1 variant allele.
Comment: ZBTB7A: BP4, BP7